The following is an entry in ClinVar:

NM_002474.3(MYH11):c.2814C>G (p.Gly938=)

Gene: MYH11 (myosin heavy chain 11; minus strand). Cytogenetic location: 16p13.11.
Variant type: single nucleotide variant.
Coding change: c.2814C>G on transcript NM_002474.3 (MANE Select); coding-DNA position 2814, C replaced by G.
Protein change: p.Gly938=; no amino-acid change (glycine 938 retained).
Molecular consequence: synonymous variant.
Genome position (GRCh38, 1-based): chr16:15,741,508, G>C on the plus strand (C>G on the coding strand, the complement: MYH11 is on the minus strand). VCF-style: chr16-15741508-G-C. GRCh37 (hg19) VCF-style: chr16-15835365-G-C.
Other names: c.2835C>G, p.Gly945= (NM_001040113.2, NM_001040114.2); c.2814C>G, p.Gly938= (NM_022844.3); c.2814C>G (NM_002474.2).
Identifiers: ClinVar variation 925172 (VCV000925172.14), dbSNP rs1325652306, ClinGen allele CA493790509.

ClinVar aggregate classification (germline): Likely benign. Review status: criteria provided, multiple submitters, no conflicts (2 of 4 stars). 4 submissions from 4 submitters: Likely benign (4). Last evaluated 2024-05-21.

Conditions:
Familial thoracic aortic aneurysm and aortic dissection (TAAD). Also called: Thoracic aortic aneurysms and dissections. Identifiers: Orphanet 91387, MedGen C4707243, MONDO:0019625.
Aortic aneurysm, familial thoracic 4 (AAT4). Also called: AORTIC ANEURYSM/AORTIC DISSECTION AND PATENT DUCTUS ARTERIOSUS. Identifiers: MedGen C1851504, MONDO:0007568, OMIM 132900.

Allele frequency attached by ClinVar (database versions not stated): gnomAD 0.00001; TOPMed 0.00002.
gnomAD v4.1: 24 of 1,609,176 alleles (0.0015%); highest among the groups gnomAD compares: Non-Finnish European, 0.0019%; no homozygotes.

Submissions (4):

Labcorp Genetics (formerly Invitae), Labcorp
Classification: Likely benign for Aortic aneurysm, familial thoracic 4. Last evaluated: 2024-05-21. Review status: criteria provided, single submitter. Criteria: Invitae Variant Classification Sherloc (09022015). Collection method: clinical testing. Allele origin: germline.

Ambry Genetics
Classification: Likely benign for Familial thoracic aortic aneurysm and aortic dissection. Last evaluated: 2023-08-03. Review status: criteria provided, single submitter. Criteria: Ambry Variant Classification Scheme 2023. Collection method: clinical testing. Allele origin: germline.

All of Us Research Program, National Institutes of Health
Classification: Likely benign for Familial thoracic aortic aneurysm and aortic dissection. Last evaluated: 2023-06-27. Review status: criteria provided, single submitter. Criteria: ACMG Guidelines, 2015. Collection method: clinical testing. Allele origin: germline. Inheritance: Autosomal dominant inheritance. Observed: 1 variant allele, 1 heterozygote.
Comment: This study involves interpretation of variants in research participants for the purpose of population health screening. Participant phenotype was not available at the time of variant classification. Additional details can be found in publication PMID: 35346344, PMCID: PMC8962531

Color Diagnostics, LLC DBA Color Health
Classification: Likely benign for Familial thoracic aortic aneurysm and aortic dissection. Last evaluated: 2018-10-30. Review status: criteria provided, single submitter. Criteria: ACMG Guidelines, 2015. Collection method: clinical testing. Allele origin: germline.